The following is an entry in ClinVar:

NM_005199.5(CHRNG):c.1036-8CT[2]

Genes: TIGD1 (tigger transposable element derived 1; minus strand), CHRNG (cholinergic receptor nicotinic gamma subunit; plus strand). Cytogenetic location: 2q37.1.
Variant type: Microsatellite.
Coding change: c.1036-8CT[2] on transcript NM_005199.5 (MANE Select); two copies in a row of the 2-base unit CT starting at c.1036-8; the reference has three copies in a row; one copy, 2 bases deleted.
Molecular consequence: intron variant. On other transcripts: 3 prime UTR variant (1).
Genome position (GRCh38, 1-based): chr2:232,544,363-232,544,364, CT deleted; deleting any 2 consecutive bases within chr2:232,544,359-232,544,364 gives the same sequence; the position shown is the placement nearest the transcript's 3' end. VCF-style (leftmost placement, unchanged base first): chr2-232544358-CCT-C. GRCh37 (hg19) VCF-style: chr2-233409068-CCT-C.
Other names: c.*3743AG[2] (NM_145702.4).
Identifiers: ClinVar variation 335009 (VCV000335009.17), dbSNP rs3217418, ClinGen allele CA2168922.

ClinVar aggregate classification (germline): Benign/Likely benign. Review status: criteria provided, multiple submitters, no conflicts (2 of 4 stars). 3 submissions from 3 submitters: Benign (1); Likely benign (2). Last evaluated 2026-01-18.

Submissions (3):

Labcorp Genetics (formerly Invitae), Labcorp
Classification: Benign. Last evaluated: 2026-01-18. Review status: criteria provided, single submitter. Criteria: Invitae Variant Classification Sherloc (09022015). Collection method: clinical testing. Allele origin: germline.

CeGaT Center for Human Genetics Tuebingen
Classification: Likely benign. Last evaluated: 2025-07-01. Review status: criteria provided, single submitter. Criteria: CeGaT Center For Human Genetics Tuebingen Variant Classification Criteria Version 2. Collection method: clinical testing. Allele origin: germline. Affected: yes. Observed: 1 variant allele.
Comment: CHRNG: BS2

Blueprint Genetics
Classification: Likely benign. Last evaluated: 2024-11-18. Review status: criteria provided, single submitter. Criteria: ACMG Guidelines, 2015. Collection method: clinical testing. Allele origin: germline.